The following is an entry in ClinVar:

NM_016239.4(MYO15A):c.6620C>T (p.Pro2207Leu)

Gene: MYO15A (myosin XVA; plus strand). Cytogenetic location: 17p11.2.
Variant type: single nucleotide variant.
Coding change: c.6620C>T on transcript NM_016239.4 (MANE Select); coding-DNA position 6620, C replaced by T.
Protein change: p.Pro2207Leu; replaces proline 2207 with leucine.
Molecular consequence: missense variant.
Genome position (GRCh38, 1-based): chr17:18,148,139, C>T. VCF-style: chr17-18148139-C-T. GRCh37 (hg19) VCF-style: chr17-18051453-C-T.
Other names: short protein forms P2207L.
Identifiers: ClinVar variation 228964 (VCV000228964.25), dbSNP rs876657903, ClinGen allele CA10577023.
Genomic context (GRCh38, chr17:18,148,139, plus strand): 5'-GCCTCATGCAGGCCATGGGCCGGGCCCAACAGCAGGGCTCGGGGGCTGCCCGCACCTTAC[C>T]CCCGACCCAGCTCGAGTGGACAGCGACCTATGAGAAGGCCAGCATGGCGCTGGACGTGGG-3'
Protein context (NP_057323.3, residues 2197-2217): QQGSGAARTL[Pro2207Leu]PTQLEWTATY

ClinVar aggregate classification (germline): Conflicting classifications of pathogenicity. Review status: criteria provided, conflicting classifications (1 of 4 stars). 3 submissions from 3 submitters: Likely pathogenic (1); Uncertain significance (2). Last evaluated 2025-01-09.

Conditions:
Autosomal recessive nonsyndromic hearing loss 3. Also called: NEUROSENSORY NONSYNDROMIC RECESSIVE DEAFNESS 3. Identifiers: Orphanet 90636, MedGen C1838263, MONDO:0010860, OMIM 600316.

Submissions (3):

Institute of Rare Diseases, West China Hospital, Sichuan University
Classification: Likely pathogenic for Autosomal recessive nonsyndromic hearing loss 3. Last evaluated: 2025-01-09. Review status: criteria provided, single submitter. Criteria: ClinGen HL ACMG Specifications v1. Collection method: research. Allele origin: germline. Affected: yes.
Comment: PM3_Strong;PM2_Supporting;PP3

Laboratory for Molecular Medicine, Mass General Brigham Personalized Medicine
Classification: Uncertain significance. Last evaluated: 2015-01-21. Review status: criteria provided, single submitter. Criteria: LMM Criteria. Collection method: clinical testing. Allele origin: germline. Observed: 1 variant allele.
Comment: The p.Pro2207Leu variant in MYO15A has not been previously reported in individua ls with hearing loss or in large population studies. Computational prediction to ols and conservation analyses suggest that this variant may impact the protein, though this information is not predictive enough to determine pathogenicity. In summary, the clinical significance of the p.Pro2207Leu variant is uncertain.

Molecular Diagnosis Center for Deafness
Classification: Uncertain significance for Autosomal recessive nonsyndromic hearing loss 3. Review status: criteria provided, single submitter. Criteria: ClinGen HL ACMG Specifications v1. Collection method: clinical testing. Allele origin: paternal. Observed: 1 variant allele.